The following is an entry in ClinVar:

NM_001005242.3(PKP2):c.1836A>G (p.Lys612=)

Gene: PKP2 (plakophilin 2; minus strand). Cytogenetic location: 12p11.21.
Variant type: single nucleotide variant.
Coding change: c.1836A>G on transcript NM_001005242.3 (MANE Select); coding-DNA position 1836, A replaced by G.
Protein change: p.Lys612=; no amino-acid change (lysine 612 retained).
Molecular consequence: synonymous variant. On other transcripts: intron variant (1).
Genome position (GRCh38, 1-based): chr12:32,822,470, T>C on the plus strand (A>G on the coding strand, the complement: PKP2 is on the minus strand). VCF-style: chr12-32822470-T-C. GRCh37 (hg19) VCF-style: chr12-32975404-T-C.
Other names: c.1509A>G, p.Lys503= (NM_001407160.1, NM_001407162.1, NM_001407158.1 and 1 more transcripts); c.1836A>G, p.Lys612= (NM_001407161.1, NM_001407155.1); c.1968A>G, p.Lys656= (NM_004572.4, NM_001407157.1); c.1675-941A>G (NM_001407156.1).
Identifiers: ClinVar variation 3071550 (VCV003071550.1), dbSNP rs1956389395, ClinGen allele CA479176228.

ClinVar aggregate classification (germline): Likely benign (1 of 4 stars; one submission).

Conditions:
Arrhythmogenic right ventricular cardiomyopathy (ARVD). Also called: Arrhythmogenic right ventricular dysplasia; Cardiomyopathy, ARVC; Arrhythmogenic cardiomyopathy; Arrhythmogenic Right Ventricular Cardiomyopathy (ARVC). Identifiers: Orphanet 247, MedGen C0349788, MeSH D019571, MONDO:0016587. Disease mechanism: loss of function. Inheritance: Various modes of inheritance.

Allele frequency attached by ClinVar (database versions not stated): TOPMed below 0.00001.

Submission:

All of Us Research Program, National Institutes of Health
Classification: Likely benign for Arrhythmogenic right ventricular cardiomyopathy. Last evaluated: 2023-06-28. Review status: criteria provided, single submitter. Criteria: ACMG Guidelines, 2015. Collection method: clinical testing. Allele origin: germline. Inheritance: Autosomal dominant inheritance. Observed: 2 variant alleles, 2 heterozygotes.
Comment: This study involves interpretation of variants in research participants for the purpose of population health screening. Participant phenotype was not available at the time of variant classification. Additional details can be found in publication PMID: 35346344, PMCID: PMC8962531